The following is an entry in ClinVar:

NM_001197104.2(KMT2A):c.5335T>C (p.Phe1779Leu)

Gene: KMT2A (lysine methyltransferase 2A; plus strand). Cytogenetic location: 11q23.3.
Variant type: single nucleotide variant.
Coding change: c.5335T>C on transcript NM_001197104.2 (MANE Select); coding-DNA position 5335, T replaced by C.
Protein change: p.Phe1779Leu; replaces phenylalanine 1779 with leucine.
Molecular consequence: missense variant.
Genome position (GRCh38, 1-based): chr11:118,494,739, T>C. VCF-style: chr11-118494739-T-C. GRCh37 (hg19) VCF-style: chr11-118365454-T-C.
Other names: c.5326T>C, p.Phe1776Leu (NM_005933.4); short protein forms F1776L, F1779L.
Identifiers: ClinVar variation 986188 (VCV000986188.6), dbSNP rs1950377167, ClinGen allele CA382837952.

ClinVar aggregate classification (germline): Uncertain significance. Review status: criteria provided, multiple submitters, no conflicts (2 of 4 stars). 2 submissions from 2 submitters: Uncertain significance (2). Last evaluated 2022-07-27.

Conditions:
Inborn genetic diseases. Identifiers: MedGen C0950123, MeSH D030342.

Submissions (2):

GeneDx
Classification: Uncertain significance. Last evaluated: 2022-07-27. Review status: criteria provided, single submitter. Criteria: GeneDx Variant Classification Process June 2021. Collection method: clinical testing. Allele origin: germline. Affected: yes.
Comment: Not observed at significant frequency in large population cohorts (gnomAD); In silico analysis supports that this missense variant has a deleterious effect on protein structure/function; Has not been previously published as pathogenic or benign to our knowledge

Ambry Genetics
Classification: Uncertain significance for Inborn genetic diseases. Last evaluated: 2018-07-25. Review status: criteria provided, single submitter. Criteria: Ambry exome assertion method (8-5-2015). Collection method: clinical testing. Allele origin: germline. Affected: yes. Observed: 1 variant allele.